The following is an entry in ClinVar:

NM_005033.3(EXOSC9):c.203T>G (p.Leu68Arg)

Gene: EXOSC9 (exosome component 9; plus strand). Cytogenetic location: 4q27.
Variant type: single nucleotide variant.
Coding change: c.203T>G on transcript NM_005033.3 (MANE Select); coding-DNA position 203, T replaced by G.
Protein change: p.Leu68Arg; replaces leucine 68 with arginine.
Molecular consequence: missense variant.
Genome position (GRCh38, 1-based): chr4:121,802,715, T>G. VCF-style: chr4-121802715-T-G. GRCh37 (hg19) VCF-style: chr4-122723870-T-G.
Other names: c.203T>G, p.Leu68Arg (NM_001034194.2); c.203T>G (NM_001034194.1); short protein forms L68R.
Identifiers: ClinVar variation 1911024 (VCV001911024.3), dbSNP rs763643568, ClinGen allele CA3063322.

ClinVar aggregate classification (germline): Uncertain significance. Review status: criteria provided, multiple submitters, no conflicts (2 of 4 stars). 2 submissions from 2 submitters: Uncertain significance (2). Last evaluated 2024-10-12.

Conditions:
Inborn genetic diseases. Identifiers: MedGen C0950123, MeSH D030342.

Allele frequency attached by ClinVar (database versions not stated): gnomAD exomes 0.00001; ExAC 0.00002; TOPMed 0.00003; gnomAD 0.00004.
gnomAD v4.1: 24 of 1,614,034 alleles (0.0015%); highest among the groups gnomAD compares: East Asian, 0.029%; no homozygotes.

Submissions (2):

Ambry Genetics
Classification: Uncertain significance for Inborn genetic diseases. Last evaluated: 2024-10-12. Review status: criteria provided, single submitter. Criteria: Ambry Variant Classification Scheme 2023. Collection method: clinical testing. Allele origin: germline.

Labcorp Genetics (formerly Invitae), Labcorp
Classification: Uncertain significance. Last evaluated: 2022-10-04. Review status: criteria provided, single submitter. Criteria: Invitae Variant Classification Sherloc (09022015). Collection method: clinical testing. Allele origin: germline.
Comment: This sequence change replaces leucine, which is neutral and non-polar, with arginine, which is basic and polar, at codon 68 of the EXOSC9 protein (p.Leu68Arg). This variant is present in population databases (rs763643568, gnomAD 0.04%). This variant has not been reported in the literature in individuals affected with EXOSC9-related conditions. Advanced modeling of protein sequence and biophysical properties (such as structural, functional, and spatial information, amino acid conservation, physicochemical variation, residue mobility, and thermodynamic stability) performed at Invitae indicates that this missense variant is not expected to disrupt EXOSC9 protein function. In summary, the available evidence is currently insufficient to determine the role of this variant in disease. Therefore, it has been classified as a Variant of Uncertain Significance.